The following is an entry in ClinVar:

NM_000297.4(PKD2):c.208G>A (p.Gly70Arg)

Genes: PKD2 (polycystin 2, transient receptor potential cation channel; plus strand), LOC129992813 (ATAC-STARR-seq lymphoblastoid silent region 15559; plus strand). Cytogenetic location: 4q22.1.
Variant type: single nucleotide variant.
Coding change: c.208G>A on transcript NM_000297.4 (MANE Select); coding-DNA position 208, G replaced by A.
Protein change: p.Gly70Arg; replaces glycine 70 with arginine.
Molecular consequence: missense variant. On other transcripts: non-coding transcript variant (1).
Genome position (GRCh38, 1-based): chr4:88,007,941, G>A. VCF-style: chr4-88007941-G-A. GRCh37 (hg19) VCF-style: chr4-88929093-G-A.
Other names: short protein forms G70R.
Identifiers: ClinVar variation 1521777 (VCV001521777.8), dbSNP rs1726233533, ClinGen allele CA357625716.

ClinVar aggregate classification (germline): Uncertain significance (1 of 4 stars; one submission).

Conditions:
Autosomal dominant polycystic kidney disease. Identifiers: Orphanet 730, MedGen C0085413, MONDO:0004691.

Allele frequency attached by ClinVar (database versions not stated): TOPMed below 0.00001.

Submission:

Labcorp Genetics (formerly Invitae), Labcorp
Classification: Uncertain significance for Autosomal dominant polycystic kidney disease. Last evaluated: 2021-03-31. Review status: criteria provided, single submitter. Criteria: Invitae Variant Classification Sherloc (09022015). Collection method: clinical testing. Allele origin: germline.
Comment: In summary, the available evidence is currently insufficient to determine the role of this variant in disease. Therefore, it has been classified as a Variant of Uncertain Significance. Algorithms developed to predict the effect of sequence changes on RNA splicing suggest that this variant may create or strengthen a splice site, but this prediction has not been confirmed by published transcriptional studies. Algorithms developed to predict the effect of missense changes on protein structure and function are either unavailable or do not agree on the potential impact of this missense change (SIFT: "Tolerated"; PolyPhen-2: "Probably Damaging"; Align-GVGD: "Class C0"). This variant has not been reported in the literature in individuals with PKD2-related conditions. The frequency data for this variant in the population databases is considered unreliable, as metrics indicate insufficient coverage at this position in the ExAC database. This sequence change replaces glycine with arginine at codon 70 of the PKD2 protein (p.Gly70Arg). The glycine residue is moderately conserved and there is a moderate physicochemical difference between glycine and arginine.